The following is an entry in ClinVar:

ClinVar aggregate classification (germline): Conflicting classifications of pathogenicity. Review status: criteria provided, conflicting classifications (1 of 4 stars). 3 submissions from 3 submitters: Likely pathogenic (2); Uncertain significance (1). Last evaluated 2025-10-01.

Conditions:
Nemaline myopathy. Also called: Myopathies, Nemaline. Identifiers: Orphanet 607, MedGen C0206157, MONDO:0018958.
Nemaline myopathy 2 (NEM2). Also called: Nemaline myopathy 2, autosomal recessive. Identifiers: MedGen C1850569, MONDO:0009725, OMIM 256030.

gnomAD v4.1: 9 of 1,613,736 alleles (0.00056%); highest among the groups gnomAD compares: Non-Finnish European, 0.00076%; no homozygotes.

Submissions (3):

GeneDx
Classification: Likely pathogenic. Last evaluated: 2025-10-01. Review status: criteria provided, single submitter. Criteria: GeneDx Variant Classification Process June 2021. Collection method: clinical testing. Allele origin: germline. Affected: yes.
Comment: Canonical splice site variant predicted to result in a null allele in a gene for which loss of function is a known mechanism of disease; Not observed at significant frequency in large population cohorts (gnomAD); Has not been previously published as pathogenic or benign to our knowledge

Broad Center for Mendelian Genomics, Broad Institute of MIT and Harvard
Classification: Uncertain significance for Nemaline myopathy. Last evaluated: 2025-02-25. Review status: criteria provided, single submitter. Criteria: ACMG Guidelines, 2015. Collection method: curation. Allele origin: germline. Inheritance: Autosomal recessive inheritance.
Comment: The c.25057+1G>T variant in NEB has not been previously reported in the literature in individuals with nemaline myopathy, but has been identified in 0.0008% (9/1179708) of European (non-Finnish) chromosomes by the Genome Aggregation Database (gnomAD; dbSNP ID: rs1191429915). Although this variant has been seen in the general population in a heterozygous state, its frequency is low enough to be consistent with a recessive carrier frequency. This variant has also been reported in ClinVar (Variation ID: 432070) and has been interpreted as likely pathogenic by GeneDx and Invitae. This variant is located in the 3' splice region. Computational tools predict a splicing impact, though this information is not predictive enough to determine pathogenicity. There is an in-frame cryptic splice site 66 bases from the intron-exon boundary, providing evidence that this variant may delete 22 amino acids instead of causing loss of function. However, this information is not predictive enough to determine pathogenicity. Loss of function of the NEB gene is an established disease mechanism in autosomal recessive nemaline myopathy. In summary, the clinical significance of the c.25057+1G>T variant is uncertain. ACMG/AMP Criteria applied: PVS1_moderate, PM2_supporting (Richards 2015).

Labcorp Genetics (formerly Invitae), Labcorp
Classification: Likely pathogenic for Nemaline myopathy 2. Last evaluated: 2023-06-28. Review status: criteria provided, single submitter. Criteria: Invitae Variant Classification Sherloc (09022015). Collection method: clinical testing. Allele origin: germline.
Comment: ClinVar contains an entry for this variant (Variation ID: 432070). In summary, the currently available evidence indicates that the variant is pathogenic, but additional data are needed to prove that conclusively. Therefore, this variant has been classified as Likely Pathogenic. Algorithms developed to predict the effect of sequence changes on RNA splicing suggest that this variant may disrupt the consensus splice site. This variant has not been reported in the literature in individuals affected with NEB-related conditions. This variant is not present in population databases (gnomAD no frequency). This sequence change affects a donor splice site in intron 179 of the NEB gene. It is expected to disrupt RNA splicing. Variants that disrupt the donor or acceptor splice site typically lead to a loss of protein function (PMID: 16199547), and loss-of-function variants in NEB are known to be pathogenic (PMID: 25205138).

Literature cited by the submitters: PubMed 16199547 (cited by Labcorp Genetics (formerly Invitae), Labcorp); PubMed 25205138 (cited by Labcorp Genetics (formerly Invitae), Labcorp).

NM_001164508.2(NEB):c.25057+1G>T

Genes: NEB (nebulin; minus strand), RIF1 (replication timing regulatory factor 1; plus strand). Cytogenetic location: 2q23.3.
Variant type: single nucleotide variant.
Coding change: c.25057+1G>T on transcript NM_001164508.2 (MANE Select); the canonical splice donor site of the intron after coding-DNA position 25057, G replaced by T.
Molecular consequence: splice donor variant.
Genome position (GRCh38, 1-based): chr2:151,492,097, C>A on the plus strand (G>T on the coding strand, the complement: NEB is on the minus strand). VCF-style: chr2-151492097-C-A. GRCh37 (hg19) VCF-style: chr2-152348611-C-A.
Other names: c.19489+1G>T (NM_004543.5); c.25057+1G>T (NM_001164507.2); c.25162+1G>T (NM_001271208.2).
Identifiers: ClinVar variation 432070 (VCV000432070.12), dbSNP rs1191429915, ClinGen allele CA348773122.
Genomic context (GRCh38, chr2:151,492,097, plus strand): 5'-CTTTTGTTCTTCTACCCCCTCACTTAAAGTTAATCCCCTCCCCCAACCCAGGCTCAGTTA[C>A]CTGTAATAGTCTCCTGATCTTGGTCATTCCGTTTTTGTTCCATTTCTACCACTTTCCTCT-3'